The following is an entry in ClinVar:

NM_000540.3(RYR1):c.12989C>T (p.Thr4330Ile)

Gene: RYR1 (ryanodine receptor 1; plus strand). Cytogenetic location: 19q13.2.
Variant type: single nucleotide variant.
Coding change: c.12989C>T on transcript NM_000540.3 (MANE Select); coding-DNA position 12989, C replaced by T.
Protein change: p.Thr4330Ile; replaces threonine 4330 with isoleucine.
Molecular consequence: missense variant.
Genome position (GRCh38, 1-based): chr19:38,565,323, C>T. VCF-style: chr19-38565323-C-T. GRCh37 (hg19) VCF-style: chr19-39055963-C-T.
Other names: c.12974C>T, p.Thr4325Ile (NM_001042723.2); short protein forms T4330I, T4325I.
Identifiers: ClinVar variation 2740853 (VCV002740853.3), dbSNP rs2514677851, ClinGen allele CA405672876.

ClinVar aggregate classification (germline): Uncertain significance. Review status: criteria provided, multiple submitters, no conflicts (2 of 4 stars). 2 submissions from 2 submitters: Uncertain significance (2). Last evaluated 2025-01-14.

Conditions:
RYR1-related disorder. Also called: RYR1-related condition; RYR1-related disorders. Identifiers: MedGen CN239331.
Inborn genetic diseases. Identifiers: MedGen C0950123, MeSH D030342.

Submissions (2):

Ambry Genetics
Classification: Uncertain significance for Inborn genetic diseases. Last evaluated: 2025-01-14. Review status: criteria provided, single submitter. Criteria: Ambry Variant Classification Scheme 2023. Collection method: clinical testing. Allele origin: germline.

Labcorp Genetics (formerly Invitae), Labcorp
Classification: Uncertain significance for RYR1-related disorder. Last evaluated: 2024-01-04. Review status: criteria provided, single submitter. Criteria: Invitae Variant Classification Sherloc (09022015). Collection method: clinical testing. Allele origin: germline.
Comment: This sequence change replaces threonine, which is neutral and polar, with isoleucine, which is neutral and non-polar, at codon 4330 of the RYR1 protein (p.Thr4330Ile). This variant is not present in population databases (gnomAD no frequency). This variant has not been reported in the literature in individuals affected with RYR1-related conditions. Advanced modeling of protein sequence and biophysical properties (such as structural, functional, and spatial information, amino acid conservation, physicochemical variation, residue mobility, and thermodynamic stability) performed at Invitae indicates that this missense variant is not expected to disrupt RYR1 protein function with a negative predictive value of 95%. In summary, the available evidence is currently insufficient to determine the role of this variant in disease. Therefore, it has been classified as a Variant of Uncertain Significance.